The following is an entry in ClinVar:

ClinVar aggregate classification (germline): Uncertain significance. Review status: criteria provided, multiple submitters, no conflicts (2 of 4 stars). 3 submissions from 3 submitters: Uncertain significance (3). Last evaluated 2026-01-02.

Conditions:
Dilated cardiomyopathy 1R (CMD1R). Identifiers: Orphanet 154, Orphanet 54260, MedGen C3150681, MONDO:0013261, OMIM 613424.
Atrial septal defect 5 (ASD5). Identifiers: Orphanet 1478, MedGen C2748552, MONDO:0013011, OMIM 612794.
Hypertrophic cardiomyopathy 11. Also called: ACTC1-Related Familial Hypertrophic Cardiomyopathy. Identifiers: MedGen C2677506, MONDO:0012799, OMIM 612098.
Cardiovascular phenotype. Identifiers: MedGen CN230736.

Allele frequency attached by ClinVar (database versions not stated): TOPMed below 0.00001; gnomAD exomes below 0.00001.

Submissions (3):

Ambry Genetics
Classification: Uncertain significance for Cardiovascular phenotype. Last evaluated: 2026-01-02. Review status: criteria provided, single submitter. Criteria: Ambry Variant Classification Scheme 2023. Collection method: clinical testing. Allele origin: germline.
Comment: The c.808+1G>C intronic variant results from a G to C substitution one nucleotide after coding exon 4 of the ACTC1 gene. This nucleotide position is highly conserved in available vertebrate species. In silico splice site analysis predicts that this alteration will weaken the native splice donor site and may result in the creation or strengthening of a novel splice donor site. Alterations that disrupt the canonical splice site are expected to cause aberrant splicing, resulting in an abnormal protein or a transcript that is subject to nonsense-mediated mRNA decay. However, loss of function of ACTC1 has not been established as a mechanism of disease. Based on the available evidence, the clinical significance of this alteration remains unclear.

Labcorp Genetics (formerly Invitae), Labcorp
Classification: Uncertain significance for Dilated cardiomyopathy 1R; Hypertrophic cardiomyopathy 11; Atrial septal defect 5. Last evaluated: 2023-11-02. Review status: criteria provided, single submitter. Criteria: Invitae Variant Classification Sherloc (09022015). Collection method: clinical testing. Allele origin: germline.
Comment: This sequence change affects a donor splice site in intron 5 of the ACTC1 gene. It is expected to disrupt RNA splicing. Variants that disrupt the donor or acceptor splice site typically lead to a loss of protein function (PMID: 16199547), however the current clinical and genetic evidence is not sufficient to establish whether loss-of-function variants in ACTC1 cause disease. This variant is not present in population databases (gnomAD no frequency). This variant has not been reported in the literature in individuals affected with ACTC1-related conditions. ClinVar contains an entry for this variant (Variation ID: 180766). Algorithms developed to predict the effect of sequence changes on RNA splicing suggest that this variant may disrupt the consensus splice site. In summary, the available evidence is currently insufficient to determine the role of this variant in disease. Therefore, it has been classified as a Variant of Uncertain Significance.

GeneDx
Classification: Uncertain significance. Last evaluated: 2018-04-02. Review status: criteria provided, single submitter. Criteria: GeneDx Variant Classification (06012015). Collection method: clinical testing. Allele origin: germline. Affected: yes.
Comment: The c.808+1 G>C variant of uncertain significance in the ACTC1 gene has not been reported as a pathogenic or benign to our knowledge. This variant destroys the canonical splice donor site in intron 5 and is predicted to cause abnormal gene splicing. This variant is predicted to lead to either an abnormal message that is subject to nonsense-mediated mRNA decay, or to an abnormal protein product if the message is used for protein translation. However, the majority of pathogenic variants in ACTC1 gene are missense changes, indicating haploinsufficiency of ACTC1 may not be sufficient to cause cardiomyopathy. Nevertheless, this variant is not observed in large population cohorts (Lek et al., 2016)

Literature cited by the submitters: PubMed 16199547 (cited by Labcorp Genetics (formerly Invitae), Labcorp).

NM_005159.5(ACTC1):c.808+1G>C

Genes: ACTC1 (actin alpha cardiac muscle 1; minus strand), GJD2-DT (GJD2 divergent transcript; plus strand). Cytogenetic location: 15q14.
Variant type: single nucleotide variant.
Coding change: c.808+1G>C on transcript NM_005159.5 (MANE Select); the canonical splice donor site of the intron after coding-DNA position 808, G replaced by C.
Molecular consequence: splice donor variant.
Genome position (GRCh38, 1-based): chr15:34,792,089, C>G on the plus strand (G>C on the coding strand, the complement: ACTC1 is on the minus strand). VCF-style: chr15-34792089-C-G. GRCh37 (hg19) VCF-style: chr15-35084290-C-G.
Other names: c.367+1G>C (NM_001406485.1); c.673+1G>C (NM_001406484.1); c.808+1G>C (NM_001406483.1, NM_001406482.1).
Identifiers: ClinVar variation 180766 (VCV000180766.6), dbSNP rs730880400, ClinGen allele CA019938.